The following is an entry in ClinVar:

NM_007078.3(LDB3):c.2109T>A (p.Asn703Lys)

Gene: LDB3 (LIM domain binding 3; plus strand). Cytogenetic location: 10q23.2.
Variant type: single nucleotide variant.
Coding change: c.2109T>A on transcript NM_007078.3 (MANE Select); coding-DNA position 2109, T replaced by A.
Protein change: p.Asn703Lys; replaces asparagine 703 with lysine.
Molecular consequence: missense variant.
Genome position (GRCh38, 1-based): chr10:86,732,901, T>A. VCF-style: chr10-86732901-T-A. GRCh37 (hg19) VCF-style: chr10-88492658-T-A.
Other names: c.1779T>A, p.Asn593Lys (NM_001080114.2); c.2124T>A, p.Asn708Lys (NM_001171610.2); c.1920T>A, p.Asn640Lys (NM_001368064.1, NM_001368065.1); c.1968T>A, p.Asn656Lys (NM_001368066.1); short protein forms N640K, N703K, N708K, N593K, N656K.
Identifiers: ClinVar variation 2813610 (VCV002813610.3), dbSNP rs2492881839, ClinGen allele CA377460150.
Genomic context (GRCh38, chr10:86,732,901, plus strand): 5'-TGCCCTGTGCCACGTGGGTCTCACGCAGGTCTGTTCTCTGCTCCAGGTCTGCCATGTGAA[T>A]CTGGAGGGGCAGCCGTTCTACTCCAAGAAGGACAGACCCCTGTGCAAGAAGCACGCACAC-3'
Protein context (NP_009009.1, residues 693-713): TCFICAVCHV[Asn703Lys]LEGQPFYSKK

ClinVar aggregate classification (germline): Uncertain significance (1 of 4 stars; one submission).

Conditions:
Myofibrillar myopathy 4. Also called: Zaspopathy (type). Identifiers: Orphanet 98912, MedGen C4721886, MONDO:0012277, OMIM 609452.

Submission:

Labcorp Genetics (formerly Invitae), Labcorp
Classification: Uncertain significance for Myofibrillar myopathy 4. Last evaluated: 2022-12-20. Review status: criteria provided, single submitter. Criteria: Invitae Variant Classification Sherloc (09022015). Collection method: clinical testing. Allele origin: germline.
Comment: In summary, the available evidence is currently insufficient to determine the role of this variant in disease. Therefore, it has been classified as a Variant of Uncertain Significance. Experimental studies and prediction algorithms are not available or were not evaluated, and the functional significance of this variant is currently unknown. This variant has not been reported in the literature in individuals affected with LDB3-related conditions. This variant is not present in population databases (gnomAD no frequency). This sequence change replaces asparagine, which is neutral and polar, with lysine, which is basic and polar, at codon 703 of the LDB3 protein (p.Asn703Lys). The LDB3 gene has multiple clinically relevant transcripts. This variant occurs in alternate transcript NM_007078.3, and corresponds to NM_001080116.1:c.*33527T>A in the primary transcript.